The following is an entry in ClinVar:

NM_001113226.3(NTNG1):c.430C>T (p.Leu144=)

Gene: NTNG1 (netrin G1; plus strand). Cytogenetic location: 1p13.3.
Variant type: single nucleotide variant.
Coding change: c.430C>T on transcript NM_001113226.3 (MANE Select); coding-DNA position 430, C replaced by T.
Protein change: p.Leu144=; no amino-acid change (leucine 144 retained).
Molecular consequence: synonymous variant.
Genome position (GRCh38, 1-based): chr1:107,324,465, C>T. VCF-style: chr1-107324465-C-T. GRCh37 (hg19) VCF-style: chr1-107867087-C-T.
Other names: c.430C>T, p.Leu144= (NM_001113228.3, NM_001312688.2, NM_001330665.2 and 7 more transcripts).
Identifiers: ClinVar variation 715245 (VCV000715245.29), dbSNP rs151288291, ClinGen allele CA977549.
Genomic context (GRCh38, chr1:107,324,465, plus strand): 5'-AAGGAGTATCCCAAGCCTCTCCAGGTTAACATCACTCTGTCTTGGAGCAAAACCATTGAG[C>T]TAACAGACAACATAGTTATTACCTTTGAATCTGGGCGTCCAGACCAAATGATCCTGGAGA-3'
Protein context (NP_001106697.1, residues 134-154): ITLSWSKTIE[Leu144=]TDNIVITFES

ClinVar aggregate classification (germline): Benign. Review status: criteria provided, multiple submitters, no conflicts (2 of 4 stars). 4 submissions from 4 submitters: Benign (3). 1 of the submissions does not count toward it. Last evaluated 2023-09-01.

Conditions:
NTNG1-related disorder. Also called: NTNG1-related condition.

Allele frequency attached by ClinVar (database versions not stated): gnomAD exomes 0.00028 and 0.00106; ExAC 0.00126; gnomAD 0.00346 and 0.00363; ESP Exome Variant Server 0.00400; TOPMed 0.00404; 1000 Genomes Project 0.00579; 1000 Genomes Project 30x 0.00718.
gnomAD v4.1: 960 of 1,613,778 alleles (0.059%); highest among the groups gnomAD compares: African/African-American, 1.1%; 4 homozygotes.

Submissions (4):

CeGaT Center for Human Genetics Tuebingen
Classification: Benign. Last evaluated: 2023-09-01. Review status: criteria provided, single submitter. Criteria: CeGaT Center For Human Genetics Tuebingen Variant Classification Criteria Version 2. Collection method: clinical testing. Allele origin: germline. Affected: yes. Observed: 1 variant allele.
Comment: NTNG1: BP4, BS1, BS2

Labcorp Genetics (formerly Invitae), Labcorp
Classification: Benign. Last evaluated: 2018-06-14. Review status: criteria provided, single submitter. Criteria: Invitae Variant Classification Sherloc (09022015). Collection method: clinical testing. Allele origin: germline.

Breakthrough Genomics
Classification: Benign. Review status: criteria provided, single submitter. Criteria: ACMG Guidelines, 2015. Collection method: not provided. Allele origin: germline. Inheritance: Unknown mechanism. Affected: yes.

PreventionGenetics, part of Exact Sciences
Classification: Benign for NTNG1-related condition. Last evaluated: 2019-07-16. Review status: no assertion criteria provided. Collection method: clinical testing. Allele origin: germline. Not counted in ClinVar's aggregate classification.
Comment: This variant is classified as benign based on ACMG/AMP sequence variant interpretation guidelines (Richards et al. 2015 PMID: 25741868, with internal and published modifications).